The following is an entry in ClinVar:

NM_000064.4(C3):c.656C>G (p.Ser219Cys)

Gene: C3 (complement C3; minus strand). Cytogenetic location: 19p13.3.
Variant type: single nucleotide variant.
Coding change: c.656C>G on transcript NM_000064.4 (MANE Select); coding-DNA position 656, C replaced by G.
Protein change: p.Ser219Cys; replaces serine 219 with cysteine.
Molecular consequence: missense variant.
Genome position (GRCh38, 1-based): chr19:6,714,192, G>C on the plus strand (C>G on the coding strand, the complement: C3 is on the minus strand). VCF-style: chr19-6714192-G-C. GRCh37 (hg19) VCF-style: chr19-6714203-G-C.
Other names: short protein forms S219C.
Identifiers: ClinVar variation 4821861 (VCV004821861.4).

ClinVar aggregate classification (germline): Uncertain significance (1 of 4 stars; one submission).

Submission:

CeGaT Center for Human Genetics Tuebingen
Classification: Uncertain significance. Last evaluated: 2025-12-01. Review status: criteria provided, single submitter. Criteria: CeGaT Center For Human Genetics Tuebingen Variant Classification Criteria Version 2. Collection method: clinical testing. Allele origin: germline. Affected: yes. Observed: 1 variant allele.
Comment: C3: PM2, PP2, BP4